The following is an entry in ClinVar:

NM_013266.4(CTNNA3):c.1691C>T (p.Thr564Met)

Gene: CTNNA3 (catenin alpha 3; minus strand). Cytogenetic location: 10q21.3.
Variant type: single nucleotide variant.
Coding change: c.1691C>T on transcript NM_013266.4 (MANE Select); coding-DNA position 1691, C replaced by T.
Protein change: p.Thr564Met; replaces threonine 564 with methionine.
Molecular consequence: missense variant.
Genome position (GRCh38, 1-based): chr10:66,379,193, G>A on the plus strand (C>T on the coding strand, the complement: CTNNA3 is on the minus strand). VCF-style: chr10-66379193-G-A. GRCh37 (hg19) VCF-style: chr10-68138951-G-A.
Other names: c.1691C>T, p.Thr564Met (NM_001127384.3); short protein forms T564M.
Identifiers: ClinVar variation 857556 (VCV000857556.5), dbSNP rs538149393, ClinGen allele CA5519857.

ClinVar aggregate classification (germline): Conflicting classifications of pathogenicity. Review status: criteria provided, conflicting classifications (1 of 4 stars). 2 submissions from 2 submitters: Uncertain significance (1); Likely benign (1). Last evaluated 2025-11-20.

Conditions:
Arrhythmogenic right ventricular dysplasia 13. Also called: ARRHYTHMOGENIC RIGHT VENTRICULAR CARDIOMYOPATHY 13; Arrhythmogenic right ventricular dysplasia, familial, 13. Identifiers: MedGen C3810138, MONDO:0000908, OMIM 615616.

Allele frequency attached by ClinVar (database versions not stated): gnomAD exomes 0.00002 and 0.00004; ExAC 0.00005; gnomAD 0.00007; TOPMed 0.00012; 1000 Genomes Project 30x 0.00016; 1000 Genomes Project 0.00020.
gnomAD v4.1: 34 of 1,614,076 alleles (0.0021%); highest among the groups gnomAD compares: African/African-American, 0.028%; no homozygotes.

Submissions (2):

Labcorp Genetics (formerly Invitae), Labcorp
Classification: Uncertain significance for Arrhythmogenic right ventricular dysplasia 13. Last evaluated: 2025-11-20. Review status: criteria provided, single submitter. Criteria: Invitae Variant Classification Sherloc (09022015). Collection method: clinical testing. Allele origin: germline.
Comment: This sequence change replaces threonine, which is neutral and polar, with methionine, which is neutral and non-polar, at codon 564 of the CTNNA3 protein (p.Thr564Met). This variant is present in population databases (rs538149393, gnomAD 0.03%). This missense change has been observed in individual(s) with clinical features of CTNNA3-related conditions (PMID: 32880476). ClinVar contains an entry for this variant (Variation ID: 857556). Invitae Evidence Modeling of protein sequence and biophysical properties (such as structural, functional, and spatial information, amino acid conservation, physicochemical variation, residue mobility, and thermodynamic stability) indicates that this missense variant is expected to disrupt CTNNA3 protein function with a positive predictive value of 80%. In summary, the available evidence is currently insufficient to determine the role of this variant in disease. Therefore, it has been classified as a Variant of Uncertain Significance.

Blueprint Genetics
Classification: Likely benign. Last evaluated: 2023-08-04. Review status: criteria provided, single submitter. Criteria: ACMG Guidelines, 2015. Collection method: clinical testing. Allele origin: germline.

Literature cited by the submitters: PubMed 32880476 (cited by Labcorp Genetics (formerly Invitae), Labcorp).